The following is an entry in ClinVar:

NM_001020658.2(PUM1):c.432+1G>T

Gene: PUM1 (pumilio RNA binding family member 1; minus strand). Cytogenetic location: 1p35.2.
Variant type: single nucleotide variant.
Coding change: c.432+1G>T on transcript NM_001020658.2 (MANE Select); the canonical splice donor site of the intron after coding-DNA position 432, G replaced by T.
Molecular consequence: splice donor variant.
Genome position (GRCh38, 1-based): chr1:31,028,795, C>A on the plus strand (G>T on the coding strand, the complement: PUM1 is on the minus strand). VCF-style: chr1-31028795-C-A. GRCh37 (hg19) VCF-style: chr1-31501642-C-A.
Other names: c.432+1G>T (NM_014676.3).
Identifiers: ClinVar variation 4862797 (VCV004862797.1).

ClinVar aggregate classification (germline): Uncertain significance (1 of 4 stars; one submission).

Conditions:
Inborn genetic diseases. Identifiers: MedGen C0950123, MeSH D030342.

Submission:

Ambry Genetics
Classification: Uncertain significance for Inborn genetic diseases. Last evaluated: 2026-05-29. Review status: criteria provided, single submitter. Criteria: Ambry Variant Classification Scheme 2023. Collection method: clinical testing. Allele origin: germline.
Comment: The c.432+1G>T intronic variant consists of a G to T substitution one nucleotide after exon 3 (coding exon 2) of the PUM1 gene. Variants that disrupt the canonical splice site are expected to result in aberrant splicing. The resulting transcript is predicted to be in-frame and is not expected to trigger nonsense-mediated mRNA decay, although direct evidence is unavailable. This variant was not reported in population-based cohorts in the Genome Aggregation Database (gnomAD). This nucleotide position is highly conserved in available vertebrate species. In silico splice site analysis predicts that this alteration will weaken the native splice donor site and will result in the creation or strengthening of a novel splice donor site. Based on insufficient or conflicting evidence, the clinical significance of this alteration remains unclear.